The following is an entry in ClinVar:

ClinVar aggregate classification (germline): Uncertain significance. Review status: criteria provided, multiple submitters, no conflicts (2 of 4 stars). 2 submissions from 2 submitters: Uncertain significance (2). Last evaluated 2025-05-15.

Conditions:
Inborn genetic diseases. Identifiers: MedGen C0950123, MeSH D030342.

gnomAD v4.1: 1 of 1,606,512 alleles (0.000062%); no homozygotes.

Submissions (2):

Labcorp Genetics (formerly Invitae), Labcorp
Classification: Uncertain significance. Last evaluated: 2025-05-15. Review status: criteria provided, single submitter. Criteria: Invitae Variant Classification Sherloc (09022015). Collection method: clinical testing. Allele origin: germline.
Comment: This sequence change replaces serine, which is neutral and polar, with asparagine, which is neutral and polar, at codon 23 of the MBD4 protein (p.Ser23Asn). This variant is not present in population databases (gnomAD no frequency). This variant has not been reported in the literature in individuals affected with MBD4-related conditions. ClinVar contains an entry for this variant (Variation ID: 2895145). An algorithm developed to predict the effect of missense changes on protein structure and function outputs the following: PolyPhen-2: "Possibly Damaging". The asparagine amino acid residue is found in multiple mammalian species, which suggests that this missense change does not adversely affect protein function. In summary, the available evidence is currently insufficient to determine the role of this variant in disease. Therefore, it has been classified as a Variant of Uncertain Significance.

Ambry Genetics
Classification: Uncertain significance for Inborn genetic diseases. Last evaluated: 2024-12-30. Review status: criteria provided, single submitter. Criteria: Ambry Variant Classification Scheme 2023. Collection method: clinical testing. Allele origin: germline.
Comment: The p.S23N variant (also known as c.68G>A), located in coding exon 1 of the MBD4 gene, results from a G to A substitution at nucleotide position 68. The serine at codon 23 is replaced by asparagine, an amino acid with highly similar properties. This amino acid position is conserved. In addition, this alteration is predicted to be tolerated by in silico analysis. Based on the available evidence, the clinical significance of this variant remains unclear.

NM_001276270.2(MBD4):c.68G>A (p.Ser23Asn)

Gene: MBD4 (methyl-CpG binding domain 4, DNA glycosylase; minus strand). Cytogenetic location: 3q21.3.
Variant type: single nucleotide variant.
Coding change: c.68G>A on transcript NM_001276270.2 (MANE Select); coding-DNA position 68, G replaced by A.
Protein change: p.Ser23Asn; replaces serine 23 with asparagine.
Molecular consequence: missense variant.
Genome position (GRCh38, 1-based): chr3:129,439,766, C>T on the plus strand (G>A on the coding strand, the complement: MBD4 is on the minus strand). VCF-style: chr3-129439766-C-T. GRCh37 (hg19) VCF-style: chr3-129158609-C-T.
Other names: c.68G>A, p.Ser23Asn (NM_001276271.2, NM_001276272.2, NM_001276273.2 and 1 more transcripts); short protein forms S23N.
Identifiers: ClinVar variation 2895145 (VCV002895145.4), dbSNP rs1033570143, ClinGen allele CA82639180.